The following is an entry in ClinVar:

ClinVar aggregate classification (germline): Uncertain significance (1 of 4 stars; one submission).

Submission:

Women's Health and Genetics/Laboratory Corporation of America, LabCorp
Classification: Uncertain significance. Last evaluated: 2022-02-23. Review status: criteria provided, single submitter. Criteria: LabCorp Variant Classification Summary - May 2015. Collection method: clinical testing. Allele origin: germline.
Comment: Variant summary: The variant identified by MLPA or other technology involves the duplication of exons 1-5 of the RP2 gene (i.e. whole gene duplication). A presumed nomenclature of c.(?_-190)_(*2590_?)dup has been designated for the purposes of this classification. It has been assumed that this is a tandem duplication in direct orientation (Richardson_GIM_2018, Newman_AJHG_2015). Though the exact breakpoints of this duplication are not known, it is expected to result in the duplication of the whole RP2 gene coding sequence. The variant was absent in 16004 control chromosomes (gnomAD database, Structural Variants dataset). The available data on variant occurrences in the general population are insufficient to allow any conclusion about variant significance. To our knowledge, no occurrence of c.(?_-190)_(*2590_?)dup in individuals affected with X-Linked Retinitis Pigmentosa, and no experimental evidence demonstrating its impact on protein function have been reported. No clinical diagnostic laboratories have submitted clinical-significance assessments for this variant to ClinVar after 2014. Based on the evidence outlined above, the variant was classified as uncertain significance.

NC_000023.10:g.(?_46696346)_(46741794_?)dup

Gene: RP2 (RP2 activator of ARL3 GTPase; plus strand). Cytogenetic location: Xp11.23.
Variant type: Duplication.
Identifiers: ClinVar variation 1343626 (VCV001343626.1).